The following is an entry in ClinVar:

NM_005677.4(COLQ):c.1204C>T (p.Arg402Cys)

Gene: COLQ (collagen like tail subunit of asymmetric acetylcholinesterase; minus strand). Cytogenetic location: 3p25.1.
Variant type: single nucleotide variant.
Coding change: c.1204C>T on transcript NM_005677.4 (MANE Select); coding-DNA position 1204, C replaced by T.
Protein change: p.Arg402Cys; replaces arginine 402 with cysteine.
Molecular consequence: missense variant.
Genome position (GRCh38, 1-based): chr3:15,453,923, G>A on the plus strand (C>T on the coding strand, the complement: COLQ is on the minus strand). VCF-style: chr3-15453923-G-A. GRCh37 (hg19) VCF-style: chr3-15495430-G-A.
Other names: c.1174C>T, p.Arg392Cys (NM_080538.2); c.1102C>T, p.Arg368Cys (NM_080539.4); short protein forms R402C, R392C, R368C.
Identifiers: ClinVar variation 4526275 (VCV004526275.1).
Genomic context (GRCh38, chr3:15,453,923, plus strand): 5'-AGTCAGAGCCGTCACAGTCCTCCACACCCTCATGCCGGTGACCATCTCCACAGTAGGCAC[G>A]GTGACAGCCTGAGGGGACATAAGGAGGTGCAGTCTTGAGAAGGAGCAGAGGCGATAGGCT-3'
Protein context (NP_005668.2, residues 392-412): DVGDDCIRCH[Arg402Cys]AYCGDGHRHE

ClinVar aggregate classification (germline): Uncertain significance (1 of 4 stars; one submission).

gnomAD v4.1: 5 of 1,606,942 alleles (0.00031%); highest among the groups gnomAD compares: East Asian, 0.0045%; no homozygotes.

Submission:

Women's Health and Genetics/Laboratory Corporation of America, LabCorp
Classification: Uncertain significance. Last evaluated: 2025-07-22. Review status: criteria provided, single submitter. Criteria: LabCorp Variant Classification Summary - May 2015. Collection method: clinical testing. Allele origin: germline.
Comment: Variant summary: COLQ c.1204C>T (p.Arg402Cys) results in a non-conservative amino acid change in the encoded protein sequence. Algorithms developed to predict the effect of missense changes on protein structure and function all suggest that this variant is likely to be disruptive. The frequency data for this variant in gnomAD is considered unreliable, as metrics indicate poor data quality at this position. c.1204C>T has been observed in at least one compound heterozygous individual affected with Congenital Myasthenic Syndrome (Selvam_2018). These data do not allow any conclusion about variant significance. To our knowledge, no experimental evidence demonstrating an impact on protein function has been reported. The following publications have been ascertained in the context of this evaluation (PMID: 37721175, 30124556). No submitters have cited clinical-significance assessments for this variant to ClinVar. Based on the evidence outlined above, the variant was classified as uncertain significance.

Literature cited by the submitters: PubMed 37721175; PubMed 30124556.